The following is an entry in ClinVar:

NM_004304.5(ALK):c.1648-2A>G

Gene: ALK (ALK receptor tyrosine kinase; minus strand). Cytogenetic location: 2p23.2.
Variant type: single nucleotide variant.
Coding change: c.1648-2A>G on transcript NM_004304.5 (MANE Select); the canonical splice acceptor site of the intron before coding-DNA position 1648, A replaced by G.
Molecular consequence: splice acceptor variant.
Genome position (GRCh38, 1-based): chr2:29,297,059, T>C on the plus strand (A>G on the coding strand, the complement: ALK is on the minus strand). VCF-style: chr2-29297059-T-C. GRCh37 (hg19) VCF-style: chr2-29519925-T-C.
Identifiers: ClinVar variation 3646684 (VCV003646684.2).
Genomic context (GRCh38, chr2:29,297,059, plus strand): 5'-ACTAGCACCAAGGACACGTTTCCCCTCAAGACTCCACGAATGAGCCAGGACATTCGGAGC[T>C]GTGAGGGCGAGAAGAGTCAGAGGACAAGGTATGATTGCTGAAAGGTCCCCTTTCTGGAAT-3'

ClinVar aggregate classification (germline): Uncertain significance (1 of 4 stars; one submission).

Conditions:
Neuroblastoma, susceptibility to, 3. Also called: ALK-Related Neuroblastic Tumor Susceptibility. Identifiers: Orphanet 635, MedGen C2751681, MONDO:0013083, OMIM 613014.

Submission:

Labcorp Genetics (formerly Invitae), Labcorp
Classification: Uncertain significance for Neuroblastoma, susceptibility to, 3. Last evaluated: 2024-03-19. Review status: criteria provided, single submitter. Criteria: Invitae Variant Classification Sherloc (09022015). Collection method: clinical testing. Allele origin: germline.
Comment: This sequence change affects an acceptor splice site in intron 8 of the ALK gene. It is expected to disrupt RNA splicing. Variants that disrupt the donor or acceptor splice site typically lead to a loss of protein function (PMID: 16199547), however the current clinical and genetic evidence is not sufficient to establish whether loss-of-function variants in ALK cause disease. This variant is not present in population databases (gnomAD no frequency). This variant has not been reported in the literature in individuals affected with ALK-related conditions. Algorithms developed to predict the effect of sequence changes on RNA splicing suggest that this variant may disrupt the consensus splice site. In summary, the available evidence is currently insufficient to determine the role of this variant in disease. Therefore, it has been classified as a Variant of Uncertain Significance.

Literature cited by the submitters: PubMed 16199547.